The following is an entry in ClinVar:

NM_001349338.3(FOXP1):c.1793T>C (p.Leu598Ser)

Gene: FOXP1 (forkhead box P1; minus strand). Cytogenetic location: 3p13.
Variant type: single nucleotide variant.
Coding change: c.1793T>C on transcript NM_001349338.3 (MANE Select); coding-DNA position 1793, T replaced by C.
Protein change: p.Leu598Ser; replaces leucine 598 with serine.
Molecular consequence: missense variant. On other transcripts: non-coding transcript variant (2).
Genome position (GRCh38, 1-based): chr3:70,965,986, A>G on the plus strand (T>C on the coding strand, the complement: FOXP1 is on the minus strand). VCF-style: chr3-70965986-A-G. GRCh37 (hg19) VCF-style: chr3-71015137-A-G.
Other names: c.1790T>C, p.Leu597Ser (NM_001244808.3, NM_001349341.3); c.1841T>C, p.Leu614Ser (NM_001244810.2); c.1565T>C, p.Leu522Ser (NM_001244812.3); c.1493T>C, p.Leu498Ser (NM_001244813.3, NM_001244815.2, NM_001349342.3); c.1793T>C, p.Leu598Ser (NM_001244814.3, NM_001244816.2, NM_001349340.3 and 1 more transcripts); c.1490T>C, p.Leu497Ser (NM_001349337.2, NM_001349343.3, NM_001349344.3 and 1 more transcripts); short protein forms L614S, L497S, L498S, L522S, L598S, L597S.
Identifiers: ClinVar variation 2126455 (VCV002126455.4), dbSNP rs2544929872, ClinGen allele CA353489648.
Genomic context (GRCh38, chr3:70,965,986, plus strand): 5'-CTCTCGTTGCTGTTGGTATGCTCCATTGCCCCGTTCAGCTCTTCCCGTATTGCGCTGGCT[A>G]AGTTGCCCAGAGTGGGATTTCCCATGGAAGCGGTAGTGTATAGAGGTATACTATTCTCAG-3'
Protein context (NP_001336267.1, residues 588-608): ASMGNPTLGN[Leu598Ser]ASAIREELNG

ClinVar aggregate classification (germline): Uncertain significance (1 of 4 stars; one submission).

Submission:

Labcorp Genetics (formerly Invitae), Labcorp
Classification: Uncertain significance. Last evaluated: 2023-08-17. Review status: criteria provided, single submitter. Criteria: Invitae Variant Classification Sherloc (09022015). Collection method: clinical testing. Allele origin: germline.
Comment: ClinVar contains an entry for this variant (Variation ID: 2126455). This sequence change replaces leucine, which is neutral and non-polar, with serine, which is neutral and polar, at codon 598 of the FOXP1 protein (p.Leu598Ser). This variant is not present in population databases (gnomAD no frequency). This variant has not been reported in the literature in individuals affected with FOXP1-related conditions. Advanced modeling of protein sequence and biophysical properties (such as structural, functional, and spatial information, amino acid conservation, physicochemical variation, residue mobility, and thermodynamic stability) performed at Invitae indicates that this missense variant is not expected to disrupt FOXP1 protein function. In summary, the available evidence is currently insufficient to determine the role of this variant in disease. Therefore, it has been classified as a Variant of Uncertain Significance.